The following is an entry in ClinVar:

NM_005994.4(TBX2):c.1738A>G (p.Met580Val)

Gene: TBX2 (T-box transcription factor 2; plus strand). Cytogenetic location: 17q23.2.
Variant type: single nucleotide variant.
Coding change: c.1738A>G on transcript NM_005994.4 (MANE Select); coding-DNA position 1738, A replaced by G.
Protein change: p.Met580Val; replaces methionine 580 with valine.
Molecular consequence: missense variant.
Genome position (GRCh38, 1-based): chr17:61,408,105, A>G. VCF-style: chr17-61408105-A-G. GRCh37 (hg19) VCF-style: chr17-59485466-A-G.
Other names: short protein forms M580V.
Identifiers: ClinVar variation 3912037 (VCV003912037.2).

ClinVar aggregate classification (germline): Uncertain significance (1 of 4 stars; one submission).

gnomAD v4.1: 1 of 1,610,582 alleles (0.000062%); highest among the groups gnomAD compares: South Asian, 0.0011%; no homozygotes.

Submission:

Women's Health and Genetics/Laboratory Corporation of America, LabCorp
Classification: Uncertain significance. Last evaluated: 2025-07-07. Review status: criteria provided, single submitter. Criteria: LabCorp Variant Classification Summary - May 2015. Collection method: clinical testing. Allele origin: germline.
Comment: Variant summary: TBX2 c.1738A>G (p.Met580Val) results in a conservative amino acid change in the encoded protein sequence. Algorithms developed to predict the effect of missense changes on protein structure and function are either unavailable or do not agree on the potential impact of this missense change. The variant allele was found at a frequency of 4.1e-06 in 243904 control chromosomes. The available data on variant occurrences in the general population are insufficient to allow any conclusion about variant significance. To our knowledge, no occurrence of c.1738A>G in individuals affected with Vertebral Anomalies And Variable Endocrine And T-Cell Dysfunction and no experimental evidence demonstrating its impact on protein function have been reported. No submitters have cited clinical-significance assessments for this variant to ClinVar. Based on the evidence outlined above, the variant was classified as uncertain significance.